The following is an entry in ClinVar:

NM_001083962.2(TCF4):c.*4+30C>T

Gene: TCF4 (transcription factor 4; minus strand). Cytogenetic location: 18q21.2.
Variant type: single nucleotide variant.
Coding change: c.*4+30C>T on transcript NM_001083962.2 (MANE Select); 30 bases into the intron after 4 bases downstream of the stop codon, C replaced by T.
Molecular consequence: intron variant.
Genome position (GRCh38, 1-based): chr18:55,228,191, G>A on the plus strand (C>T on the coding strand, the complement: TCF4 is on the minus strand). VCF-style: chr18-55228191-G-A. GRCh37 (hg19) VCF-style: chr18-52895422-G-A.
Other names: c.*4+30C>T (NM_001243226.3, NM_001369584.1, NM_001369576.1 and 42 more transcripts).
Identifiers: ClinVar variation 160075 (VCV000160075.6), dbSNP rs587784457, ClinGen allele CA173646.

ClinVar aggregate classification (germline): Likely benign (0 of 4 stars; one submission).

Allele frequency attached by ClinVar (database versions not stated): gnomAD 0.00001.
gnomAD v4.1: 4 of 1,613,388 alleles (0.00025%); highest among the groups gnomAD compares: Admixed American, 0.0017%; no homozygotes.

Submission:

Genetic Services Laboratory, University of Chicago
Classification: Likely benign. Review status: no assertion criteria provided. Collection method: clinical testing. Allele origin: germline. Inheritance: Autosomal dominant inheritance.
Comment: Likely benign based on allele frequency in 1000 Genomes Project or ESP global frequency and its presence in a patient with a rare or unrelated disease phenotype. NOT Sanger confirmed